The following is an entry in ClinVar:

ClinVar aggregate classification (germline): Uncertain significance (1 of 4 stars; one submission).

Conditions:
Zellweger spectrum disorders (ZS). Also called: Zellweger Spectrum Disorder (ZSD); Zellweger Spectrum Disorder; Zellweger Spectrum; Zellweger syndrome. Identifiers: Orphanet 912, MedGen C0043459, MONDO:0019609.

Allele frequency attached by ClinVar (database versions not stated): TOPMed 0.00001; ExAC 0.00002; gnomAD 0.00002; 1000 Genomes Project 30x 0.00016; 1000 Genomes Project 0.00020.
gnomAD v4.1: 12 of 1,613,800 alleles (0.00074%); highest among the groups gnomAD compares: East Asian, 0.027%; no homozygotes.

Submission:

Labcorp Genetics (formerly Invitae), Labcorp
Classification: Uncertain significance for Zellweger spectrum disorders. Last evaluated: 2022-08-23. Review status: criteria provided, single submitter. Criteria: Invitae Variant Classification Sherloc (09022015). Collection method: clinical testing. Allele origin: germline.
Comment: This sequence change replaces valine, which is neutral and non-polar, with isoleucine, which is neutral and non-polar, at codon 977 of the PEX1 protein (p.Val977Ile). This variant is present in population databases (rs200453149, gnomAD 0.05%). This variant has not been reported in the literature in individuals affected with PEX1-related conditions. Algorithms developed to predict the effect of missense changes on protein structure and function (SIFT, PolyPhen-2, Align-GVGD) all suggest that this variant is likely to be disruptive. In summary, the available evidence is currently insufficient to determine the role of this variant in disease. Therefore, it has been classified as a Variant of Uncertain Significance.

NM_000466.3(PEX1):c.2929G>A (p.Val977Ile)

Genes: PEX1 (peroxisomal biogenesis factor 1; minus strand), GATAD1 (GATA zinc finger domain containing 1; plus strand). Cytogenetic location: 7q21.2.
Variant type: single nucleotide variant.
Coding change: c.2929G>A on transcript NM_000466.3 (MANE Select); coding-DNA position 2929, G replaced by A.
Protein change: p.Val977Ile; replaces valine 977 with isoleucine.
Molecular consequence: missense variant.
Genome position (GRCh38, 1-based): chr7:92,494,394, C>T on the plus strand (G>A on the coding strand, the complement: PEX1 is on the minus strand). VCF-style: chr7-92494394-C-T. GRCh37 (hg19) VCF-style: chr7-92123708-C-T.
Other names: c.2758G>A, p.Val920Ile (NM_001282677.2); c.2305G>A, p.Val769Ile (NM_001282678.2); short protein forms V769I, V920I, V977I.
Identifiers: ClinVar variation 2156835 (VCV002156835.1), dbSNP rs200453149, ClinGen allele CA4340957.
Genomic context (GRCh38, chr7:92,494,394, plus strand): 5'-CAGGCCTAAGCAGGGCAGGGTCAATCAAGTCAGGGCGACTAGTAGCAGCCAATACATAAA[C>T]ACCTAGAGGAAAAAAGAACATTTTTTTACCAAAATCTGATGACATGATGACATTTTGTTA-3'
Protein context (NP_000457.1, residues 967-987): QLDGVEGLQG[Val977Ile]YVLAATSRPD